The following is an entry in ClinVar:

NM_000388.4(CASR):c.2381C>T (p.Ser794Phe)

Gene: CASR (calcium sensing receptor; plus strand). Cytogenetic location: 3q21.1.
Variant type: single nucleotide variant.
Coding change: c.2381C>T on transcript NM_000388.4 (MANE Select); coding-DNA position 2381, C replaced by T.
Protein change: p.Ser794Phe; replaces serine 794 with phenylalanine.
Molecular consequence: missense variant.
Genome position (GRCh38, 1-based): chr3:122,284,335, C>T. VCF-style: chr3-122284335-C-T. GRCh37 (hg19) VCF-style: chr3-122003182-C-T.
Other names: c.2411C>T, p.Ser804Phe (NM_001178065.2); short protein forms S794F, S804F.
Identifiers: ClinVar variation 4820261 (VCV004820261.2).

ClinVar aggregate classification (germline): Uncertain significance. Review status: criteria provided, multiple submitters, no conflicts (2 of 4 stars). 2 submissions from 2 submitters: Uncertain significance (2). Last evaluated 2026-04-15.

Conditions:
Familial hyperparathyroidism or Hypocalciuric hypercalcaemia.

gnomAD v4.1: 2 of 1,614,120 alleles (0.00012%); highest among the groups gnomAD compares: Non-Finnish European, 0.00017%; no homozygotes.

Submissions (2):

Women's Health and Genetics/Laboratory Corporation of America, LabCorp
Classification: Uncertain significance. Last evaluated: 2026-04-15. Review status: criteria provided, single submitter. Criteria: LabCorp Variant Classification Summary - May 2015. Collection method: clinical testing. Allele origin: germline.
Comment: Variant summary: CASR c.2381C>T (p.Ser794Phe) results in a non-conservative amino acid change in the encoded protein sequence. Algorithms developed to predict the effect of missense changes on protein structure and function all suggest that this variant is likely to be disruptive. The variant was absent in 251314 control chromosomes. The available data on variant occurrences in the general population are insufficient to allow any conclusion about variant significance. To our knowledge, no occurrence of c.2381C>T in individuals affected with CASR-related conditions and no experimental evidence demonstrating its impact on protein function have been reported. No submitters have cited clinical-significance assessments for this variant to ClinVar. Based on the evidence outlined above, the variant was classified as uncertain significance.

Cambridge Genomics Laboratory, East Genomic Laboratory Hub, NHS Genomic Medicine Service
Classification: Uncertain significance for Familial hyperparathyroidism or Hypocalciuric hypercalcaemia. Last evaluated: 2026-04-10. Review status: criteria provided, single submitter. Criteria: ACGS Best Practice Guidelines for Variant Classification in Rare Disease 2020. Collection method: clinical testing. Allele origin: germline. Affected: yes.
Comment: PM1_Supporting,PM2,PP3